The following is an entry in ClinVar:

NM_015978.3(TNNI3K):c.1696A>G (p.Ile566Val)

Genes: FPGT-TNNI3K (FPGT-TNNI3K readthrough; plus strand), TNNI3K (TNNI3 interacting kinase; plus strand). Cytogenetic location: 1p31.1.
Variant type: single nucleotide variant.
Coding change: c.1696A>G on transcript NM_015978.3 (MANE Select); coding-DNA position 1696, A replaced by G.
Protein change: p.Ile566Val; replaces isoleucine 566 with valine.
Molecular consequence: missense variant.
Genome position (GRCh38, 1-based): chr1:74,370,316, A>G. VCF-style: chr1-74370316-A-G. GRCh37 (hg19) VCF-style: chr1-74836000-A-G.
Other names: c.1999A>G, p.Ile667Val (NM_001112808.3, NM_001199327.2); short protein forms I566V, I667V.
Identifiers: ClinVar variation 1717367 (VCV001717367.5), dbSNP rs2524475537, ClinGen allele CA340786539.

ClinVar aggregate classification (germline): Uncertain significance (1 of 4 stars; one submission).

Submission:

Labcorp Genetics (formerly Invitae), Labcorp
Classification: Uncertain significance. Last evaluated: 2024-03-04. Review status: criteria provided, single submitter. Criteria: Invitae Variant Classification Sherloc (09022015). Collection method: clinical testing. Allele origin: germline.
Comment: This sequence change replaces isoleucine, which is neutral and non-polar, with valine, which is neutral and non-polar, at codon 566 of the TNNI3K protein (p.Ile566Val). This variant is not present in population databases (gnomAD no frequency). This variant has not been reported in the literature in individuals affected with TNNI3K-related conditions. ClinVar contains an entry for this variant (Variation ID: 1717367). Advanced modeling of protein sequence and biophysical properties (such as structural, functional, and spatial information, amino acid conservation, physicochemical variation, residue mobility, and thermodynamic stability) performed at Invitae indicates that this missense variant is not expected to disrupt TNNI3K protein function with a negative predictive value of 80%. In summary, the available evidence is currently insufficient to determine the role of this variant in disease. Therefore, it has been classified as a Variant of Uncertain Significance.